The following is an entry in ClinVar:

NM_001378454.1(ALMS1):c.4149dup (p.His1384fs)

Gene: ALMS1 (ALMS1 centrosome and basal body associated protein; plus strand). Cytogenetic location: 2p13.1.
Variant type: Duplication.
Coding change: c.4149dup on transcript NM_001378454.1 (MANE Select); coding-DNA position 4149, one base duplicated (A; older notation c.4149dupA).
Protein change: p.His1384fs; shifts the reading frame from histidine 1384.
Molecular consequence: frameshift variant.
Genome position (GRCh38, 1-based): chr2:73,450,676, A duplicated; the last of 2 consecutive A bases (chr2:73,450,675-73,450,676); duplicating either gives the same sequence. VCF-style (leftmost placement, unchanged base first): chr2-73450674-C-CA. GRCh37 (hg19) VCF-style: chr2-73677801-C-CA.
Other names: c.4152dup, p.His1385fs (NM_015120.4); short protein forms H1384fs, H1385fs.
Identifiers: ClinVar variation 976049 (VCV000976049.1), dbSNP rs1671915447, ClinGen allele CA1139657113.

ClinVar aggregate classification (germline): Likely pathogenic (1 of 4 stars; one submission).

Conditions:
Alstrom syndrome (ALMS). Identifiers: Orphanet 64, MedGen C0268425, MONDO:0008763, OMIM 203800.

Submission:

Institute of Human Genetics, University of Leipzig Medical Center
Classification: Likely pathogenic for Alstrom syndrome. Last evaluated: 2018-12-11. Review status: criteria provided, single submitter. Criteria: ACMG Guidelines, 2015. Collection method: clinical testing. Allele origin: germline. Affected: yes. Observed: 1 variant allele.
Comment: This variant was identified as homozygous